The following is an entry in ClinVar:

NM_004415.4(DSP):c.2037A>G (p.Ile679Met)

Gene: DSP (desmoplakin; plus strand). Cytogenetic location: 6p24.3.
Variant type: single nucleotide variant.
Coding change: c.2037A>G on transcript NM_004415.4 (MANE Select); coding-DNA position 2037, A replaced by G.
Protein change: p.Ile679Met; replaces isoleucine 679 with methionine.
Molecular consequence: missense variant.
Genome position (GRCh38, 1-based): chr6:7,571,975, A>G. VCF-style: chr6-7571975-A-G. GRCh37 (hg19) VCF-style: chr6-7572208-A-G.
Other names: c.2037A>G (LRG_423t1, NM_004415.3); c.2037A>G, p.Ile679Met (NM_001008844.3, NM_001319034.2); short protein forms I679M.
Identifiers: ClinVar variation 405244 (VCV000405244.19), dbSNP rs151049942, ClinGen allele CA031402.
Genomic context (GRCh38, chr6:7,571,975, plus strand): 5'-AGAAAATGACAAGCAAGAAACATGGATGCTGATGGAGCTGCAGAAGATTCGCAGGCAGAT[A>G]GAGCACTGCGAGGGCAGGATGACTCTCAAAAACCTCCCTCTAGCAGACCAGGGATCTTCT-3'
Protein context (NP_004406.2, residues 669-689): LMELQKIRRQ[Ile679Met]EHCEGRMTLK

ClinVar aggregate classification (germline): Conflicting classifications of pathogenicity. Review status: criteria provided, conflicting classifications (1 of 4 stars). 6 submissions from 6 submitters: Uncertain significance (1); Benign (1); Likely benign (4). Last evaluated 2025-09-27.

Conditions:
Cardiovascular phenotype. Identifiers: MedGen CN230736.
Arrhythmogenic cardiomyopathy with wooly hair and keratoderma. Also called: PALMOPLANTAR KERATODERMA WITH LEFT VENTRICULAR CARDIOMYOPATHY AND WOOLLY HAIR; Carvajal syndrome; Dilated cardiomyopathy with woolly hair and keratoderma; Arrhythmogenic cardiomyopathy with woolly hair and keratoderma. Identifiers: Orphanet 65282, MedGen C1854063, MONDO:0011581, OMIM 605676.
Arrhythmogenic right ventricular dysplasia 8 (ARVD8). Also called: Arrhythmogenic Right Ventricular Dysplasia/Cardiomyopathy 8; ARRHYTHMOGENIC RIGHT VENTRICULAR DYSPLASIA, FAMILIAL, 8; ARRHYTHMOGENIC RIGHT VENTRICULAR CARDIOMYOPATHY 8. Identifiers: MedGen C1843896, MONDO:0011831, OMIM 607450.
Cardiomyopathy (CMYO). Also called: Cardiomyopathies. Identifiers: Orphanet 167848, MedGen C0878544, MONDO:0004994, HP:0001638. Inheritance: Various modes of inheritance.

Allele frequency attached by ClinVar (database versions not stated): gnomAD exomes 0.00001 and 0.00003; ExAC 0.00004; gnomAD 0.00012; TOPMed 0.00012; ESP Exome Variant Server 0.00023; 1000 Genomes Project 30x 0.00031; 1000 Genomes Project 0.00040.
gnomAD v4.1: 30 of 1,614,240 alleles (0.0019%); highest among the groups gnomAD compares: African/African-American, 0.036%; no homozygotes.

Submissions (6):

Labcorp Genetics (formerly Invitae), Labcorp
Classification: Benign for Arrhythmogenic cardiomyopathy with wooly hair and keratoderma; Arrhythmogenic right ventricular dysplasia 8. Last evaluated: 2025-09-27. Review status: criteria provided, single submitter. Criteria: Invitae Variant Classification Sherloc (09022015). Collection method: clinical testing. Allele origin: germline.

Molecular Diagnostic Laboratory for Inherited Cardiovascular Disease, Montreal Heart Institute
Classification: Likely benign. Last evaluated: 2025-02-17. Review status: criteria provided, single submitter. Criteria: ACMG Guidelines, 2015. Collection method: clinical testing. Allele origin: germline. Affected: no.
Comment: BS1;BP4

GeneDx
Classification: Uncertain significance. Last evaluated: 2022-12-27. Review status: criteria provided, single submitter. Criteria: GeneDx Variant Classification Process June 2021. Collection method: clinical testing. Allele origin: germline. Affected: yes.
Comment: Has not been previously published as pathogenic or benign to our knowledge; In silico analysis supports that this missense variant does not alter protein structure/function

Color Diagnostics, LLC DBA Color Health
Classification: Likely benign for Cardiomyopathy. Last evaluated: 2020-11-02. Review status: criteria provided, single submitter. Criteria: ACMG Guidelines, 2015. Collection method: clinical testing. Allele origin: germline.

Ambry Genetics
Classification: Likely benign for Cardiovascular phenotype. Last evaluated: 2019-08-02. Review status: criteria provided, single submitter. Criteria: Ambry Variant Classification Scheme 2023. Collection method: clinical testing. Allele origin: germline.

Women's Health and Genetics/Laboratory Corporation of America, LabCorp
Classification: Likely benign. Last evaluated: 2017-01-03. Review status: criteria provided, single submitter. Criteria: LabCorp Variant Classification Summary - May 2015. Collection method: clinical testing. Allele origin: germline.
Comment: Variant summary: The DSP c.2037A>G (p.Ile679Met) variant involves the alteration of a non-conserved nucleotide, which 3/3 in silico tools (SNPs&GO and MutationTaster not captured due to low reliability index and p-value, respectively) predict a benign outcome, although these predictions have yet to be functionally assessed. The variant of interest was observed in the large, broad control population, ExAC, with an allele frequency of 5/121348 (1/24271), predominantly in the African cohort, 5/10394 (1/2079), which exceeds the estimated maximal expected allele frequency for a pathogenic DSP variant of 1/40000. Therefore, suggesting this is likely a benign polymorphism found primarily in population(s) of African origin. The variant of interest has not, to our knowledge, been reported in affected individuals via publications and/or reputable databases/clinical diagnostic laboratories. Therefore, the variant of interest has been classified as "likely benign," until additional information becomes available (ie, clinical and functional studies).